The following is an entry in ClinVar:

NM_033026.6(PCLO):c.10991T>C (p.Val3664Ala)

Gene: PCLO (piccolo presynaptic cytomatrix protein; minus strand). Cytogenetic location: 7q21.11.
Variant type: single nucleotide variant.
Coding change: c.10991T>C on transcript NM_033026.6 (MANE Select); coding-DNA position 10991, T replaced by C.
Protein change: p.Val3664Ala; replaces valine 3664 with alanine.
Molecular consequence: missense variant.
Genome position (GRCh38, 1-based): chr7:82,949,597, A>G on the plus strand (T>C on the coding strand, the complement: PCLO is on the minus strand). VCF-style: chr7-82949597-A-G. GRCh37 (hg19) VCF-style: chr7-82578913-A-G.
Other names: c.10991T>C, p.Val3664Ala (NM_014510.3); short protein forms V3664A.
Identifiers: ClinVar variation 3347421 (VCV003347421.1).

ClinVar aggregate classification (germline): Uncertain significance (0 of 4 stars; one submission).

Conditions:
PCLO-related disorder. Also called: PCLO-related condition.

Submission:

PreventionGenetics, part of Exact Sciences
Classification: Uncertain significance for PCLO-related condition. Last evaluated: 2024-05-07. Review status: no assertion criteria provided. Collection method: clinical testing. Allele origin: germline.
Comment: The PCLO c.10991T>C variant is predicted to result in the amino acid substitution p.Val3664Ala. To our knowledge, this variant has not been reported in the literature or in a large population database, indicating this variant is rare. At this time, the clinical significance of this variant is uncertain due to the absence of conclusive functional and genetic evidence.